The following is an entry in ClinVar:

ClinVar aggregate classification (germline): Uncertain significance (1 of 4 stars; one submission).

Conditions:
Polyglucosan body myopathy type 1 (PGBM1). Also called: Polyglucosan body myopathy 1 with or without immunodeficiency; POLYGLUCOSAN BODY MYOPATHY WITHOUT IMMUNODEFICIENCY. Identifiers: Orphanet 329173, Orphanet 397937, MedGen C4014605, MONDO:0014389, OMIM 615895.

Submission:

Labcorp Genetics (formerly Invitae), Labcorp
Classification: Uncertain significance for Polyglucosan body myopathy type 1. Last evaluated: 2022-03-13. Review status: criteria provided, single submitter. Criteria: Invitae Variant Classification Sherloc (09022015). Collection method: clinical testing. Allele origin: germline.
Comment: In summary, the available evidence is currently insufficient to determine the role of this variant in disease. Therefore, it has been classified as a Variant of Uncertain Significance. Algorithms developed to predict the effect of missense changes on protein structure and function are either unavailable or do not agree on the potential impact of this missense change (SIFT: "Not Available"; PolyPhen-2: "Benign"; Align-GVGD: "Not Available"). This variant has not been reported in the literature in individuals affected with RBCK1-related conditions. This variant is not present in population databases (gnomAD no frequency). This sequence change replaces lysine, which is basic and polar, with glutamic acid, which is acidic and polar, at codon 7 of the RBCK1 protein (p.Lys7Glu).

NM_031229.4(RBCK1):c.19A>G (p.Lys7Glu)

Gene: RBCK1 (RANBP2-type and C3HC4-type zinc finger containing 1; plus strand). Cytogenetic location: 20p13.
Variant type: single nucleotide variant.
Coding change: c.19A>G on transcript NM_031229.4 (MANE Select); coding-DNA position 19, A replaced by G.
Protein change: p.Lys7Glu; replaces lysine 7 with glutamic acid.
Molecular consequence: missense variant. On other transcripts: 5 prime UTR variant (2), non-coding transcript variant (1).
Genome position (GRCh38, 1-based): chr20:408,776, A>G. VCF-style: chr20-408776-A-G. GRCh37 (hg19) VCF-style: chr20-389420-A-G.
Other names: c.38A>G, p.Glu13Gly (NM_006462.6); c.-331A>G (NM_001323956.2); c.-186A>G (NM_001323958.2); c.19A>G, p.Lys7Glu (NM_001323960.2, NM_001410770.1); short protein forms E13G, K7E.
Identifiers: ClinVar variation 1933621 (VCV001933621.5), dbSNP rs2514443380, ClinGen allele CA407943369.
Genomic context (GRCh38, chr20:408,776, plus strand): 5'-GAGGCACGGTCCCCCCCAGGGGGATGGGCACAGCCACGCCAGATGGACGAGAAGACCAAG[A>G]AAGGTGGGCACAGGCTGGAGGTGGCTGGGGAACTTCCGGTGGGAAGTGGGCCCCGCAGGA-3'
Protein context (NP_112506.2, residues 1-17): MDEKTK[Lys7Glu]AEEMALSLTR